The following is an entry in ClinVar:

NM_032043.3(BRIP1):c.929G>A (p.Cys310Tyr)

Gene: BRIP1 (BRCA1 interacting DNA helicase 1; minus strand). Cytogenetic location: 17q23.2.
Variant type: single nucleotide variant.
Coding change: c.929G>A on transcript NM_032043.3 (MANE Select); coding-DNA position 929, G replaced by A.
Protein change: p.Cys310Tyr; replaces cysteine 310 with tyrosine.
Molecular consequence: missense variant.
Genome position (GRCh38, 1-based): chr17:61,801,464, C>T on the plus strand (G>A on the coding strand, the complement: BRIP1 is on the minus strand). VCF-style: chr17-61801464-C-T. GRCh37 (hg19) VCF-style: chr17-59878825-C-T.
Other names: short protein forms C310Y.
Identifiers: ClinVar variation 632725 (VCV000632725.8), dbSNP rs1567832184, ClinGen allele CA400484309.

ClinVar aggregate classification (germline): Uncertain significance. Review status: criteria provided, multiple submitters, no conflicts (2 of 4 stars). 3 submissions from 3 submitters: Uncertain significance (3). Last evaluated 2023-06-26.

Conditions:
Familial cancer of breast. Also called: BREAST CANCER, FAMILIAL; hereditary breast carcinoma; Hereditary breast cancer. Identifiers: Orphanet 227535, MedGen C0346153, MONDO:0016419, OMIM 114480. Disease mechanism: loss of function.
Fanconi anemia complementation group J. Also called: BRIP1-Related Fanconi Anemia. Identifiers: Orphanet 84, MedGen C1836860, MONDO:0012187, OMIM 609054.

Allele frequency attached by ClinVar (database versions not stated): gnomAD exomes below 0.00001.
gnomAD v4.1: 1 of 1,609,200 alleles (0.000062%); highest among the groups gnomAD compares: Non-Finnish European, 0.000085%; no homozygotes.

Submissions (3):

Baylor Genetics
Classification: Uncertain significance for Familial cancer of breast. Last evaluated: 2023-06-26. Review status: criteria provided, single submitter. Criteria: ACMG Guidelines, 2015. Collection method: clinical testing. Allele origin: unknown.

Labcorp Genetics (formerly Invitae), Labcorp
Classification: Uncertain significance for Familial cancer of breast; Fanconi anemia complementation group J. Last evaluated: 2021-08-26. Review status: criteria provided, single submitter. Criteria: Invitae Variant Classification Sherloc (09022015). Collection method: clinical testing. Allele origin: germline.
Comment: In summary, the available evidence is currently insufficient to determine the role of this variant in disease. Therefore, it has been classified as a Variant of Uncertain Significance. Algorithms developed to predict the effect of missense changes on protein structure and function (SIFT, PolyPhen-2, Align-GVGD) all suggest that this variant is likely to be disruptive. ClinVar contains an entry for this variant (Variation ID: 632725). This variant has not been reported in the literature in individuals affected with BRIP1-related conditions. This variant is not present in population databases (ExAC no frequency). This sequence change replaces cysteine with tyrosine at codon 310 of the BRIP1 protein (p.Cys310Tyr). The cysteine residue is highly conserved and there is a large physicochemical difference between cysteine and tyrosine.

Women's Health and Genetics/Laboratory Corporation of America, LabCorp
Classification: Uncertain significance. Last evaluated: 2018-09-14. Review status: criteria provided, single submitter. Criteria: LabCorp Variant Classification Summary - May 2015. Collection method: clinical testing. Allele origin: germline.
Comment: Variant summary: BRIP1 c.929G>A (p.Cys310Tyr) results in a non-conservative amino acid change located in the Helicase superfamily 1/2, ATP-binding domain of the encoded protein sequence. Four of four in-silico tools predict a damaging effect of the variant on protein function. The variant was absent in 245766 control chromosomes. The available data on variant occurrences in the general population are insufficient to allow any conclusion about variant significance. To our knowledge, no occurrence of c.929G>A in individuals affected with Hereditary Breast and Ovarian Cancer and no experimental evidence demonstrating its impact on protein function have been reported. No clinical diagnostic laboratories have submitted clinical-significance assessments for this variant to ClinVar after 2014. Based on the evidence outlined above, the variant was classified as uncertain significance.